The following is an entry in ClinVar:

NM_006790.3(MYOT):c.808G>C (p.Asp270His)

Genes: MYOT (myotilin; plus strand), PKD2L2-DT (PKD2L2 divergent transcript; minus strand). Cytogenetic location: 5q31.2.
Variant type: single nucleotide variant.
Coding change: c.808G>C on transcript NM_006790.3 (MANE Select); coding-DNA position 808, G replaced by C.
Protein change: p.Asp270His; replaces aspartic acid 270 with histidine.
Molecular consequence: missense variant.
Genome position (GRCh38, 1-based): chr5:137,882,097, G>C. VCF-style: chr5-137882097-G-C. GRCh37 (hg19) VCF-style: chr5-137217786-G-C.
Other names: c.256G>C, p.Asp86His (NM_001135940.2); c.463G>C, p.Asp155His (NM_001300911.2); short protein forms D270H, D155H, D86H.
Identifiers: ClinVar variation 594257 (VCV000594257.10), dbSNP rs1561663452, ClinGen allele CA361055460.

ClinVar aggregate classification (germline): Uncertain significance. Review status: criteria provided, multiple submitters, no conflicts (2 of 4 stars). 2 submissions from 2 submitters: Uncertain significance (2). Last evaluated 2022-06-15.

Conditions:
Myofibrillar myopathy 3 (MFM3). Also called: Muscular dystrophy, proximal, type 1A; Autosomal dominant spheroid body myopathy. Identifiers: Orphanet 266, Orphanet 268129, MedGen C3714934, MONDO:0012215, OMIM 609200.

Allele frequency attached by ClinVar (database versions not stated): gnomAD exomes below 0.00001.
gnomAD v4.1: 4 of 1,614,180 alleles (0.00025%); highest among the groups gnomAD compares: Non-Finnish European, 0.00017%; no homozygotes.

Submissions (2):

Labcorp Genetics (formerly Invitae), Labcorp
Classification: Uncertain significance for Myofibrillar myopathy 3. Last evaluated: 2022-06-15. Review status: criteria provided, single submitter. Criteria: Invitae Variant Classification Sherloc (09022015). Collection method: clinical testing. Allele origin: germline.
Comment: This sequence change replaces aspartic acid, which is acidic and polar, with histidine, which is basic and polar, at codon 270 of the MYOT protein (p.Asp270His). This variant is not present in population databases (gnomAD no frequency). This variant has not been reported in the literature in individuals affected with MYOT-related conditions. ClinVar contains an entry for this variant (Variation ID: 594257). Algorithms developed to predict the effect of missense changes on protein structure and function are either unavailable or do not agree on the potential impact of this missense change (SIFT: "Deleterious"; PolyPhen-2: "Probably Damaging"; Align-GVGD: "Class C0"). In summary, the available evidence is currently insufficient to determine the role of this variant in disease. Therefore, it has been classified as a Variant of Uncertain Significance.

Eurofins Ntd Llc (ga)
Classification: Uncertain significance. Last evaluated: 2017-10-05. Review status: criteria provided, single submitter. Criteria: EGL Classification Definitions 2015. Collection method: clinical testing. Allele origin: germline. Observed: 1 variant allele, 1 heterozygote.